The following is an entry in ClinVar:

NM_006904.7(PRKDC):c.9697A>C (p.Ser3233Arg)

Gene: PRKDC (protein kinase, DNA-activated, catalytic subunit; minus strand). Cytogenetic location: 8q11.21.
Variant type: single nucleotide variant.
Coding change: c.9697A>C on transcript NM_006904.7 (MANE Select); coding-DNA position 9697, A replaced by C.
Protein change: p.Ser3233Arg; replaces serine 3233 with arginine.
Molecular consequence: missense variant.
Genome position (GRCh38, 1-based): chr8:47,807,187, T>G on the plus strand (A>C on the coding strand, the complement: PRKDC is on the minus strand). VCF-style: chr8-47807187-T-G. GRCh37 (hg19) VCF-style: chr8-48719748-T-G.
Other names: c.9697A>C, p.Ser3233Arg (NM_001081640.2); short protein forms S3233R.
Identifiers: ClinVar variation 2738603 (VCV002738603.3), dbSNP rs775469156, ClinGen allele CA4739509.

ClinVar aggregate classification (germline): Uncertain significance (1 of 4 stars; one submission).

Conditions:
Severe combined immunodeficiency due to DNA-PKcs deficiency. Also called: IMMUNODEFICIENCY 26 WITH NEUROLOGIC ABNORMALITIES; Immunodeficiency 26 with or without neurologic abnormalities. Identifiers: Orphanet 317425, MedGen C4014833, MONDO:0014423, OMIM 615966.

Allele frequency attached by ClinVar (database versions not stated): gnomAD 0.00001; gnomAD exomes 0.00001; TOPMed 0.00001; ExAC 0.00002.
gnomAD v4.1: 18 of 1,613,826 alleles (0.0011%); highest among the groups gnomAD compares: Non-Finnish European, 0.0015%; no homozygotes.

Submission:

Labcorp Genetics (formerly Invitae), Labcorp
Classification: Uncertain significance for Severe combined immunodeficiency due to DNA-PKcs deficiency. Last evaluated: 2023-12-22. Review status: criteria provided, single submitter. Criteria: Invitae Variant Classification Sherloc (09022015). Collection method: clinical testing. Allele origin: germline.
Comment: This sequence change replaces serine, which is neutral and polar, with arginine, which is basic and polar, at codon 3233 of the PRKDC protein (p.Ser3233Arg). This variant is present in population databases (rs775469156, gnomAD 0.005%). This variant has not been reported in the literature in individuals affected with PRKDC-related conditions. Advanced modeling of protein sequence and biophysical properties (such as structural, functional, and spatial information, amino acid conservation, physicochemical variation, residue mobility, and thermodynamic stability) performed at Invitae indicates that this missense variant is not expected to disrupt PRKDC protein function with a negative predictive value of 80%. In summary, the available evidence is currently insufficient to determine the role of this variant in disease. Therefore, it has been classified as a Variant of Uncertain Significance.